The following is an entry in ClinVar:

ClinVar aggregate classification (germline): Uncertain significance (1 of 4 stars; one submission).

Submission:

Labcorp Genetics (formerly Invitae), Labcorp
Classification: Uncertain significance. Last evaluated: 2022-06-15. Review status: criteria provided, single submitter. Criteria: Invitae Variant Classification Sherloc (09022015). Collection method: clinical testing. Allele origin: germline.
Comment: Variants that disrupt the consensus splice site are a relatively common cause of aberrant splicing (PMID: 17576681, 9536098). Algorithms developed to predict the effect of sequence changes on RNA splicing suggest that this variant may disrupt the consensus splice site. This variant has not been reported in the literature in individuals affected with COL2A1-related conditions. This variant is not present in population databases (gnomAD no frequency). This sequence change falls in intron 21 of the COL2A1 gene. It does not directly change the encoded amino acid sequence of the COL2A1 protein. It affects a nucleotide within the consensus splice site. In summary, the available evidence is currently insufficient to determine the role of this variant in disease. Therefore, it has been classified as a Variant of Uncertain Significance.

Literature cited by the submitters: PubMed 17576681; PubMed 9536098.

NM_001844.5(COL2A1):c.1365+2dup

Gene: COL2A1 (collagen type II alpha 1 chain; minus strand). Cytogenetic location: 12q13.11.
Variant type: Duplication.
Coding change: c.1365+2dup on transcript NM_001844.5 (MANE Select); the canonical splice donor site of the intron after coding-DNA position 1365, one base duplicated (T; older notation c.1365+2dupT).
Molecular consequence: splice donor variant.
Genome position (GRCh38, 1-based): chr12:47,987,076, A duplicated on the plus strand (T on the coding strand, the reverse complement: COL2A1 is on the minus strand). VCF-style (leftmost placement, unchanged base first): chr12-47987075-T-TA. GRCh37 (hg19) VCF-style: chr12-48380858-T-TA.
Other names: c.1158+2dup (NM_033150.3).
Identifiers: ClinVar variation 1496614 (VCV001496614.6), dbSNP rs2136575491, ClinGen allele CA2573148637.